The following is an entry in ClinVar:

NM_000371.4(TTR):c.424G>A (p.Val142Ile)

Gene: TTR (transthyretin; plus strand). Cytogenetic location: 18q12.1.
Variant type: single nucleotide variant.
Coding change: c.424G>A on transcript NM_000371.4 (MANE Select); coding-DNA position 424, G replaced by A.
Protein change: p.Val142Ile; replaces valine 142 with isoleucine.
Molecular consequence: missense variant.
Genome position (GRCh38, 1-based): chr18:31,598,655, G>A. VCF-style: chr18-31598655-G-A. GRCh37 (hg19) VCF-style: chr18-29178618-G-A.
Other names: V122I; p.V142I:GTC>ATC; short protein forms V142I.
Identifiers: ClinVar variation 13426 (VCV000013426.127), dbSNP rs76992529, ClinGen allele CA214382.

ClinVar aggregate classification (germline): Pathogenic/Likely pathogenic. Review status: criteria provided, multiple submitters, no conflicts (2 of 4 stars). 54 submissions from 52 submitters: Pathogenic (40); Likely pathogenic (3). 11 of the submissions do not count toward it. Last evaluated 2026-09-01.

Conditions:
TTR-related disorder. Also called: TTR-related condition; TTR-related disorders.
Carpal tunnel syndrome 1 (CTS1). Also called: Carpal tunnel syndrome, familial. Identifiers: MedGen C5779776, MONDO:0020730, OMIM 115430.
Amyloidosis, hereditary systemic 1 (AMYLD1). Also called: Hereditary Transthyretin Amyloidosis; Isolated Cardiac Amyloidosis; Amyloid Cardiomyopathy, Transthyretin-related; Familial amyloid polyneuropathy; AMYLOID CARDIOMYOPATHY; Hereditary oculoleptomeningeal amyloid angiopathy. Identifiers: Orphanet 85447, Orphanet 85451, MedGen C2751492, MONDO:0971004, OMIM 105210.
Hyperthyroxinemia, dystransthyretinemic. Also called: HYPERTHYROXINEMIA, DYSPREALBUMINEMIC; EUTHRYROIDAL HYPERTHYROXINEMIA 2. Identifiers: MedGen C2750824, MONDO:0007785, OMIM 145680.
ATTRV122I amyloidosis. Also called: Transthyretin related familial amyloid cardiomyopathy. Identifiers: Orphanet 85451, MedGen C4275067, MONDO:0019441.
Charcot-Marie-Tooth disease. Also called: Charcot-Marie-Tooth Neuropathy; Charcot-Marie-Tooth Hereditary Neuropathy. Identifiers: Orphanet 166, MedGen C0007959, MONDO:0015626.
Cardiovascular phenotype. Identifiers: MedGen CN230736.
Cardiomyopathy (CMYO). Also called: Cardiomyopathies. Identifiers: Orphanet 167848, MedGen C0878544, MONDO:0004994, HP:0001638. Inheritance: Various modes of inheritance.
Amyloidosis. Also called: Amyloid deposition. Identifiers: Orphanet 69, MedGen C0002726, MONDO:0019065, HP:0011034.
Tip-toe gait. Also called: Toe walking. Identifiers: MedGen C0427144, HP:0030051.

Allele frequency attached by ClinVar (database versions not stated): 1000 Genomes Project 0.00559; 1000 Genomes Project 30x 0.00609; gnomAD 0.00475 and 0.00501; TOPMed 0.00560; ExAC 0.00138; ESP Exome Variant Server 0.00592; gnomAD exomes 0.00048 and 0.00113.
gnomAD v4.1: 1,433 of 1,614,082 alleles (0.089%); highest among the groups gnomAD compares: African/African-American, 1.7%; 8 homozygotes.

Submissions 1 to 7 of 54:

CeGaT Center for Human Genetics Tuebingen
Classification: Pathogenic. Last evaluated: 2026-09-01. Review status: criteria provided, single submitter. Criteria: CeGaT Center For Human Genetics Tuebingen Variant Classification Criteria Version 2. Collection method: clinical testing. Allele origin: germline. Affected: yes. Observed: 13 variant alleles.
Comment: TTR: PP1:Strong, PS4, PS3:Moderate

PreventionGenetics, part of Exact Sciences
Classification: Pathogenic for TTR-related condition. Last evaluated: 2026-07-28. Review status: criteria provided, single submitter. Criteria: ACMG Guidelines, 2015. Collection method: clinical testing. Allele origin: germline.
Comment: The TTR c.424G>A variant is predicted to result in the amino acid substitution p.Val142Ile. This variant, also referred to as p.Val122Ile using legacy nomenclature, has been reported in individuals with autosomal dominant hereditary amyloidosis and typically presents as familial amyloid cardiomyopathy (see, for example, Jacobson et al. 1990. PubMed ID: 2349941; Buxbaum et al. 2010. PubMed ID: 20435197; Dungu et al. 2016. PubMed ID: 27618855). Homozygotes have also been described (Dungu et al. 2016. PubMed ID: 27618855; Lopes et al. 2019. PubMed ID: 31554435; Sideris et al. 2025. PubMed ID: 41294101). In vitro experimental studies indicate this variant impacts protein function (Jiang et al. 2001. PubMed ID: 11752443; Sekijma et al. 2005. PubMed ID: 15820680; Altland et al. 2007. PubMed ID: 17503405). It has been reported as pathogenic by multiple independent submitters to the ClinVar database (Variation ID:13426). This variant is reported in 1.6% of alleles in individuals of African descent in gnomAD, including three homozygotes, which is consistent with this variant being a founder event with high frequency in individuals of African descent (Jacobson et al. 1997. PubMed ID: 9017939; Jacobson et al. 2015. PubMed ID: 26123279). This variant is interpreted as pathogenic.

Labcorp Genetics (formerly Invitae), Labcorp
Classification: Pathogenic for Amyloidosis, hereditary systemic 1. Last evaluated: 2026-02-03. Review status: criteria provided, single submitter. Criteria: Invitae Variant Classification Sherloc (09022015). Collection method: clinical testing. Allele origin: germline.
Comment: This sequence change replaces valine with isoleucine at codon 142 of the TTR protein (p.Val142Ile). There is a small physicochemical difference between valine and isoleucine. This variant is present in population databases (rs76992529, gnomAD 1.6%), and has an allele count higher than expected for a pathogenic variant. This missense change has been observed in individuals with transthyretin amyloidosis (PMID: 12050338, 19781421, 22745357, 24184229, 25846356). It is commonly reported in individuals of African American ancestry (PMID: 20435197, 22745357, 22877808, 25846356). This variant is also known as p.Val122Ile. ClinVar contains an entry for this variant (Variation ID: 13426). Invitae Evidence Modeling of protein sequence and biophysical properties (such as structural, functional, and spatial information, amino acid conservation, physicochemical variation, residue mobility, and thermodynamic stability) indicates that this missense variant is expected to disrupt TTR protein function with a positive predictive value of 95%. Experimental studies have shown that this missense change affects TTR function (PMID: 15820680, 17503405, 18276611). For these reasons, this variant has been classified as Pathogenic.

Medical and Scientific Branch, Hong Kong Genome Institute
Classification: Likely pathogenic for Amyloidosis, hereditary systemic 1. Last evaluated: 2026-01-26. Review status: criteria provided, single submitter. Criteria: ACMG Guidelines, 2015. Collection method: clinical testing. Allele origin: unknown. Affected: yes.

Clinical Genetics Laboratory, University Hospital Schleswig-Holstein
Classification: Pathogenic for Amyloidosis, hereditary systemic 1. Last evaluated: 2025-11-25. Review status: criteria provided, single submitter. Criteria: ACMG Guidelines, 2015. Collection method: clinical testing. Allele origin: germline. Observed: 1 heterozygote.
Comment: ACMG criteria applied: PS4, PS3, PP1_Strong

3billion
Classification: Pathogenic for Amyloidosis, hereditary systemic 1. Last evaluated: 2025-09-03. Review status: criteria provided, single submitter. Criteria: ACMG Guidelines, 2015. Collection method: clinical testing. Allele origin: germline. Affected: yes.
Comment: The variant is observed in the gnomAD v4.1.0 dataset (total allele frequency: 0.089%). Predicted Consequence/Location: Missense variant. Missense changes are a common disease-causing mechanism. In silico tool predictions suggest damaging effect of the variant on gene or gene product [REVEL: 0.65 (>=0.6, sensitivity 0.68 and specificity 0.92); 3Cnet: 0.92 (> 0.75, sensitivity 0.96 and precision 0.92)]. The same nucleotide change resulting in the same amino acid change has been previously reported as pathogenic/likely pathogenic with strong evidence (ClinVar ID: VCV000013426 /PMID: 2349941 /3billion dataset). The variant has been observed in multiple (>3) similarly affected unrelated individuals (PMID: 30683924, 34461737). Different missense changes at the same codon (p.Val142Ala, p.Val142Leu) have been reported as pathogenic/likely pathogenic with strong evidence (ClinVar ID: VCV001333466 /PMID: 10211412, 24101130 /3billion dataset). Therefore, this variant is classified as Pathogenic according to the recommendation of ACMG/AMP guideline.

Ambry Genetics
Classification: Pathogenic for Cardiovascular phenotype. Last evaluated: 2025-08-22. Review status: criteria provided, single submitter. Criteria: Ambry Variant Classification Scheme 2023. Collection method: clinical testing. Allele origin: germline.
Comment: The p.V142I pathogenic mutation (also known as c.424G>A and V122I), located in coding exon 4 of the TTR gene, results from a G to A substitution at nucleotide position 424. The valine at codon 142 is replaced by isoleucine, an amino acid with highly similar properties. This alteration is the most common TTR mutation in individuals of African descent, having been observed in >3% of African Americans, and is associated with familial amyloidotic cardiomyopathy (Jacobson DR et al. N Engl J Med. 1997;336:466-73; Jacobson DR et al. Amyloid. 2015;22(3):171-4). This mutation has been reported to decrease the stability of the transthyretin tetramer and lower the kinetic barrier for tetramer dissociation, which increases the extent and rate of amyloid fibril formation (Jiang X et al. PNAS. 2001;98(26):14943-8). The clinical penetrance of this mutation is unknown and age-dependent; before age sixty-five, this mutation has little or no impact on cardiac function or mortality in the majority of patients, while after age seventy, heterozygotes have been reported to show a higher frequency of congestive heart failure, greater mortality, and more evidence of cardiac amyloidosis than age, gender, and ethnicity-matched controls (Buxbaum J et al. Am Heart J. 2010;159(5):864-70; Quarta CC et al. N Engl J Med. 2015;372(1):21-9). Although cardiac disease is the most commonly observed symptom of individuals with this mutation, other types of neuropathy have also been observed (Coelho T et al. Curr Med Res Opin. 2013;29(1):63-76). Based on the supporting evidence, this alteration is interpreted as a disease-causing mutation.